The following is an entry in ClinVar:

ClinVar aggregate classification (germline): Uncertain significance (1 of 4 stars; one submission).

gnomAD v4.1: 1 of 1,608,944 alleles (0.000062%); highest among the groups gnomAD compares: South Asian, 0.0011%; no homozygotes.

Submission:

Ambry Genetics
Classification: Uncertain significance. Last evaluated: 2025-11-11. Review status: criteria provided, single submitter. Criteria: Ambry Variant Classification Scheme 2023. Collection method: clinical testing. Allele origin: germline.
Comment: The p.Q8R variant (also known as c.23A>G), located in coding exon 1 of the RNF43 gene, results from an A to G substitution at nucleotide position 23. The glutamine at codon 8 is replaced by arginine, an amino acid with highly similar properties. This amino acid position is conserved. In addition, this alteration is predicted to be tolerated by in silico analysis. Based on the available evidence, the clinical significance of this variant remains unclear.

NM_017763.6(RNF43):c.23A>G (p.Gln8Arg)

Gene: RNF43 (ring finger protein 43; minus strand). Cytogenetic location: 17q22.
Variant type: single nucleotide variant.
Coding change: c.23A>G on transcript NM_017763.6 (MANE Select); coding-DNA position 23, A replaced by G.
Protein change: p.Gln8Arg; replaces glutamine 8 with arginine.
Molecular consequence: missense variant. On other transcripts: intron variant (1).
Genome position (GRCh38, 1-based): chr17:58,415,555, T>C on the plus strand (A>G on the coding strand, the complement: RNF43 is on the minus strand). VCF-style: chr17-58415555-T-C. GRCh37 (hg19) VCF-style: chr17-56492916-T-C.
Other names: c.23A>G, p.Gln8Arg (NM_001305544.3, NM_001438820.1, NM_001438821.1 and 1 more transcripts); c.-130+1462A>G (NM_001437987.1); short protein forms Q8R.
Identifiers: ClinVar variation 4578990 (VCV004578990.1).